The following is an entry in ClinVar:

ClinVar aggregate classification (germline): Uncertain significance (1 of 4 stars; one submission).

Conditions:
Hereditary cancer-predisposing syndrome. Also called: Hereditary Cancer Syndrome; Hereditary neoplastic syndrome; Neoplastic Syndromes, Hereditary; Tumor predisposition. Identifiers: Orphanet 140162, MedGen C0027672, MeSH D009386, MONDO:0015356.

Submission:

Ambry Genetics
Classification: Uncertain significance for Hereditary cancer-predisposing syndrome. Last evaluated: 2021-03-11. Review status: criteria provided, single submitter. Criteria: Ambry Variant Classification Scheme 2023. Collection method: clinical testing. Allele origin: germline.
Comment: The p.K204N variant (also known as c.612A>C), located in coding exon 4 of the BARD1 gene, results from an A to C substitution at nucleotide position 612. The lysine at codon 204 is replaced by asparagine, an amino acid with similar properties. This amino acid position is highly conserved in available vertebrate species. In addition, this alteration is predicted to be tolerated by in silico analysis. Since supporting evidence is limited at this time, the clinical significance of this alteration remains unclear.

NM_000465.4(BARD1):c.612A>C (p.Lys204Asn)

Gene: BARD1 (BRCA1 associated RING domain 1; minus strand). Cytogenetic location: 2q35.
Variant type: single nucleotide variant.
Coding change: c.612A>C on transcript NM_000465.4 (MANE Select); coding-DNA position 612, A replaced by C.
Protein change: p.Lys204Asn; replaces lysine 204 with asparagine.
Molecular consequence: missense variant. On other transcripts: non-coding transcript variant (2), intron variant (3).
Genome position (GRCh38, 1-based): chr2:214,781,262, T>G on the plus strand (A>C on the coding strand, the complement: BARD1 is on the minus strand). VCF-style: chr2-214781262-T-G. GRCh37 (hg19) VCF-style: chr2-215645986-T-G.
Other names: c.555A>C, p.Lys185Asn (NM_001282543.2); c.158+28150A>C (NM_001282548.2); c.215+15799A>C (NM_001282545.2); c.364+11035A>C (NM_001282549.2); short protein forms K185N, K204N.
Identifiers: ClinVar variation 1751758 (VCV001751758.2), dbSNP rs2469511183, ClinGen allele CA350456710.